The following is an entry in ClinVar:

ClinVar aggregate classification (germline): Uncertain significance. Review status: criteria provided, multiple submitters, no conflicts (2 of 4 stars). 3 submissions from 3 submitters: Uncertain significance (2). 1 of the submissions does not count toward it. Last evaluated 2025-05-21.

Conditions:
Autosomal dominant auditory neuropathy 1. Also called: AUDITORY NEUROPATHY, NONSYNDROMIC DOMINANT. Identifiers: Orphanet 90635, MedGen C1836743, MONDO:0012196, OMIM 609129.

Submissions (3):

Labcorp Genetics (formerly Invitae), Labcorp
Classification: Uncertain significance. Last evaluated: 2025-05-21. Review status: criteria provided, single submitter. Criteria: Invitae Variant Classification Sherloc (09022015). Collection method: clinical testing. Allele origin: germline.
Comment: This variant occurs in a non-coding region of the DIAPH3 gene. It does not change the encoded amino acid sequence of the DIAPH3 protein. This variant is not present in population databases (gnomAD no frequency). This variant has been observed in individual(s) with hearing loss (PMID: 27658576). ClinVar contains an entry for this variant (Variation ID: 1686855). Experimental studies and prediction algorithms are not available or were not evaluated, and the functional significance of this variant is currently unknown. In summary, the available evidence is currently insufficient to determine the role of this variant in disease. Therefore, it has been classified as a Variant of Uncertain Significance.

Blueprint Genetics
Classification: Uncertain significance. Last evaluated: 2023-10-25. Review status: criteria provided, single submitter. Criteria: ACMG Guidelines, 2015. Collection method: clinical testing. Allele origin: germline.

OMIM
Classification: Pathogenic for AUDITORY NEUROPATHY, AUTOSOMAL DOMINANT 1. Last evaluated: 2022-04-22. Review status: flagged submission. Collection method: literature only. Allele origin: germline. Not counted in ClinVar's aggregate classification.
ClinVar note: Notes: Flagging candidate with reason of insufficient supporting evidence. This gene has been classified as having a limited gene-disease relationship by a ClinGen Expert Panel.
ClinVar note: Reason: Other

Literature cited by the submitters: PubMed 27658576 (cited by Labcorp Genetics (formerly Invitae), Labcorp and OMIM).

NC_000013.11:g.60163939G>A

Gene: DIAPH3 (diaphanous related formin 3; minus strand). Cytogenetic location: 13q21.2.
Variant type: single nucleotide variant.
Genome position: GRCh38 VCF-style: chr13-60163939-G-A. GRCh37 (hg19) VCF-style: chr13-60738073-G-A.
Other names: -173C-T, 5-PRIME UTR.
Identifiers: ClinVar variation 1686855 (VCV001686855.5), dbSNP rs2138511749, ClinGen allele CA2573149720.